The following is an entry in ClinVar:

NM_001379210.1(SLC25A26):c.707+687G>A

Gene: SLC25A26 (solute carrier family 25 member 26; plus strand). Cytogenetic location: 3p14.1.
Variant type: single nucleotide variant.
Coding change: c.707+687G>A on transcript NM_001379210.1 (MANE Select); 687 bases into the intron after coding-DNA position 707, G replaced by A.
Molecular consequence: intron variant. On other transcripts: synonymous variant (2).
Genome position (GRCh38, 1-based): chr3:66,371,289, G>A. VCF-style: chr3-66371289-G-A. GRCh37 (hg19) VCF-style: chr3-66421713-G-A.
Other names: c.795G>A, p.Ala265= (NM_001400705.1); c.531G>A, p.Ala177= (NM_001400709.1); c.707+687G>A (NM_173471.4); c.443+687G>A (NM_001350993.1, NM_001164796.1, NM_001400711.1); c.662+687G>A (NM_001400707.1); c.398+687G>A (NM_001400714.1).
Identifiers: ClinVar variation 3341697 (VCV003341697.16).

ClinVar aggregate classification (germline): Likely benign (1 of 4 stars; one submission).

gnomAD v4.1: 623 of 1,549,796 alleles (0.04%); highest among the groups gnomAD compares: Middle Eastern, 0.18%; 4 homozygotes.

Submission:

CeGaT Center for Human Genetics Tuebingen
Classification: Likely benign. Last evaluated: 2024-08-01. Review status: criteria provided, single submitter. Criteria: CeGaT Center For Human Genetics Tuebingen Variant Classification Criteria Version 2. Collection method: clinical testing. Allele origin: germline. Affected: yes. Observed: 1 variant allele.
Comment: SLC25A26: BP4, BP7